The following is an entry in ClinVar:

ClinVar aggregate classification (germline): Uncertain significance (1 of 4 stars; one submission).

Conditions:
Spastic paraplegia. Identifiers: MedGen C0037772, HP:0001258.

Allele frequency attached by ClinVar (database versions not stated): gnomAD exomes below 0.00001.

Submission:

Labcorp Genetics (formerly Invitae), Labcorp
Classification: Uncertain significance for Spastic paraplegia. Last evaluated: 2025-10-08. Review status: criteria provided, single submitter. Criteria: Invitae Variant Classification Sherloc (09022015). Collection method: clinical testing. Allele origin: germline.
Comment: This sequence change replaces valine, which is neutral and non-polar, with leucine, which is neutral and non-polar, at codon 62 of the KIF5A protein (p.Val62Leu). This variant is not present in population databases (gnomAD no frequency). This variant has not been reported in the literature in individuals affected with KIF5A-related conditions. ClinVar contains an entry for this variant (Variation ID: 1443428). Invitae Evidence Modeling of protein sequence and biophysical properties (such as structural, functional, and spatial information, amino acid conservation, physicochemical variation, residue mobility, and thermodynamic stability) has been performed for this missense variant. However, the output from this modeling did not meet the statistical confidence thresholds required to predict the impact of this variant on KIF5A protein function. In summary, the available evidence is currently insufficient to determine the role of this variant in disease. Therefore, it has been classified as a Variant of Uncertain Significance.

NM_004984.4(KIF5A):c.184G>C (p.Val62Leu)

Gene: KIF5A (kinesin family member 5A; plus strand). Cytogenetic location: 12q13.3.
Variant type: single nucleotide variant.
Coding change: c.184G>C on transcript NM_004984.4 (MANE Select); coding-DNA position 184, G replaced by C.
Protein change: p.Val62Leu; replaces valine 62 with leucine.
Molecular consequence: missense variant. On other transcripts: intron variant (1).
Genome position (GRCh38, 1-based): chr12:57,563,493, G>C. VCF-style: chr12-57563493-G-C. GRCh37 (hg19) VCF-style: chr12-57957276-G-C.
Other names: c.130-967G>C (NM_001354705.2); short protein forms V62L.
Identifiers: ClinVar variation 1443428 (VCV001443428.6), dbSNP rs2140158758, ClinGen allele CA385492644.